The following is an entry in ClinVar:

NM_001040142.2(SCN2A):c.386+4T>C

Gene: SCN2A (sodium voltage-gated channel alpha subunit 2; plus strand). Cytogenetic location: 2q24.3.
Variant type: single nucleotide variant.
Coding change: c.386+4T>C on transcript NM_001040142.2 (MANE Select); 4 bases into the intron after coding-DNA position 386, T replaced by C.
Molecular consequence: intron variant.
Genome position (GRCh38, 1-based): chr2:165,297,139, T>C. VCF-style: chr2-165297139-T-C. GRCh37 (hg19) VCF-style: chr2-166153649-T-C.
Other names: c.386+4T>C (NM_001040143.2, NM_001371246.1, NM_001371247.1 and 1 more transcripts).
Identifiers: ClinVar variation 3340996 (VCV003340996.1).

ClinVar aggregate classification (germline): Uncertain significance (1 of 4 stars; one submission).

Submission:

GeneDx
Classification: Uncertain significance. Last evaluated: 2024-01-20. Review status: criteria provided, single submitter. Criteria: GeneDx Variant Classification Process June 2021. Collection method: clinical testing. Allele origin: germline. Affected: yes.
Comment: Reported as a de novo variant in a large cohort of patients with autism, however additional clinical information was not provided (PMID: 35982159); Not observed at significant frequency in large population cohorts (gnomAD); In silico analysis supports that this variant does not alter splicing; This variant is associated with the following publications: (PMID: 35982159)